The following is an entry in ClinVar:

NM_005609.4(PYGM):c.1518+1G>A

Gene: PYGM (glycogen phosphorylase, muscle associated; minus strand). Cytogenetic location: 11q13.1.
Variant type: single nucleotide variant.
Coding change: c.1518+1G>A on transcript NM_005609.4 (MANE Select); the canonical splice donor site of the intron after coding-DNA position 1518, G replaced by A.
Molecular consequence: splice donor variant.
Genome position (GRCh38, 1-based): chr11:64,753,072, C>T on the plus strand (G>A on the coding strand, the complement: PYGM is on the minus strand). VCF-style: chr11-64753072-C-T. GRCh37 (hg19) VCF-style: chr11-64520544-C-T.
Other names: c.1254+1G>A (NM_001164716.1).
Identifiers: ClinVar variation 4815431 (VCV004815431.1).

ClinVar aggregate classification (germline): Likely pathogenic (1 of 4 stars; one submission).

Conditions:
Glycogen storage disease, type V (GSD5). Also called: MCARDLE DISEASE; MUSCLE GLYCOGEN PHOSPHORYLASE DEFICIENCY; MYOPHOSPHORYLASE DEFICIENCY; PYGM DEFICIENCY; McArdle type glycogen storage disease. Identifiers: Orphanet 368, MedGen C0017924, MONDO:0009293, OMIM 232600.

Submission:

Natera, Inc.
Classification: Likely pathogenic for Glycogen storage disease V. Last evaluated: 2024-04-30. Review status: criteria provided, single submitter. Criteria: Natera Variant Classification Schema (03/2026). Collection method: clinical testing. Allele origin: germline.
Comment: The c.1518+1G>A variant in PYGM is a canonical splice donor site variant predicted to affect pre-mRNA splicing, which may result in an abnormal transcript and altered protein product. This variant is expected to result in nonsense mediated decay, truncation, or a dysfunctional protein product. This variant is rare in the general population with a frequency below the threshold expected for the associated phenotype(s). Given the available evidence, this variant is classified as Likely Pathogenic.